The following is an entry in ClinVar:

ClinVar aggregate classification (germline): Uncertain significance. Review status: criteria provided, multiple submitters, no conflicts (2 of 4 stars). 3 submissions from 3 submitters: Uncertain significance (3). Last evaluated 2025-08-27.

Conditions:
Catecholaminergic polymorphic ventricular tachycardia (CVPT). Also called: Catecholamine-induced polymorphic ventricular tachycardia. Identifiers: Orphanet 3286, MedGen C5574922, MONDO:0017990.
Cardiovascular phenotype. Identifiers: MedGen CN230736.
Cardiomyopathy (CMYO). Also called: Cardiomyopathies. Identifiers: Orphanet 167848, MedGen C0878544, MONDO:0004994, HP:0001638. Inheritance: Various modes of inheritance.

Submissions (3):

Color Diagnostics, LLC DBA Color Health
Classification: Uncertain significance for Cardiomyopathy. Last evaluated: 2025-08-27. Review status: criteria provided, single submitter. Criteria: ACMG Guidelines, 2015. Collection method: clinical testing. Allele origin: germline.
Comment: This missense variant replaces aspartic acid with tyrosine at codon 4079 of the RYR2 protein. Computational prediction suggests that this variant may have deleterious impact on protein structure and function. To our knowledge, functional studies have not been reported for this variant. This variant has not been reported in individuals affected with RYR2-related disorders in the literature. This variant has not been identified in the general population by the Genome Aggregation Database (gnomAD). The available evidence is insufficient to determine the role of this variant in disease conclusively. Therefore, this variant is classified as a Variant of Uncertain Significance.

All of Us Research Program, National Institutes of Health
Classification: Uncertain significance for Catecholaminergic polymorphic ventricular tachycardia. Last evaluated: 2023-12-01. Review status: criteria provided, single submitter. Criteria: ACMG Guidelines, 2015. Collection method: clinical testing. Allele origin: germline. Inheritance: Autosomal dominant inheritance. Observed: 2 variant alleles, 2 heterozygotes.
Comment: This missense variant replaces aspartic acid with tyrosine at codon 4079 of the RYR2 protein. Computational prediction suggests that this variant may have deleterious impact on protein structure and function (internally defined REVEL score threshold >= 0.7, PMID: 27666373). Splice site prediction tools suggest that this variant may not impact RNA splicing. To our knowledge, functional studies have not been reported for this variant. This variant has not been reported in individuals affected with cardiovascular disorders in the literature. This variant has not been identified in the general population by the Genome Aggregation Database (gnomAD). The available evidence is insufficient to determine the role of this variant in disease conclusively. Therefore, this variant is classified as a Variant of Uncertain Significance.

This study involves interpretation of variants in research participants for the purpose of population health screening. Participant phenotype was not available at the time of variant classification. Additional details can be found in publication PMID: 35346344, PMCID: PMC8962531

Ambry Genetics
Classification: Uncertain significance for Cardiovascular phenotype. Last evaluated: 2023-11-21. Review status: criteria provided, single submitter. Criteria: Ambry Variant Classification Scheme 2023. Collection method: clinical testing. Allele origin: germline.
Comment: The p.D4079Y variant (also known as c.12235G>T), located in coding exon 90 of the RYR2 gene, results from a G to T substitution at nucleotide position 12235. The aspartic acid at codon 4079 is replaced by tyrosine, an amino acid with highly dissimilar properties. This amino acid position is well conserved in available vertebrate species. In addition, this alteration is predicted to be deleterious by in silico analysis. Since supporting evidence is limited at this time, the clinical significance of this alteration remains unclear.

NM_001035.3(RYR2):c.12235G>T (p.Asp4079Tyr)

Gene: RYR2 (ryanodine receptor 2; plus strand). Cytogenetic location: 1q43.
Variant type: single nucleotide variant.
Coding change: c.12235G>T on transcript NM_001035.3 (MANE Select); coding-DNA position 12235, G replaced by T.
Protein change: p.Asp4079Tyr; replaces aspartic acid 4079 with tyrosine.
Molecular consequence: missense variant.
Genome position (GRCh38, 1-based): chr1:237,783,947, G>T. VCF-style: chr1-237783947-G-T. GRCh37 (hg19) VCF-style: chr1-237947247-G-T.
Other names: c.12235G>T (NM_001035.2); short protein forms D4079Y.
Identifiers: ClinVar variation 923202 (VCV000923202.6), dbSNP rs868071612, ClinGen allele CA345412708.
Genomic context (GRCh38, chr1:237,783,947, plus strand): 5'-ACGCAGTCAGAAACGGAATTTCTTTTGTCTTGTGCGGAGACGGATGAGAATGAAACCCTC[G>T]ACTACGAAGAGTTCGTCAAACGCTTCCACGAACCTGCGAAGGACATCGGCTTCAACGTCG-3'
Protein context (NP_001026.2, residues 4069-4089): CAETDENETL[Asp4079Tyr]YEEFVKRFHE